The following is an entry in ClinVar:

NM_000494.4(COL17A1):c.2647+1G>T

Gene: COL17A1 (collagen type XVII alpha 1 chain; minus strand). Cytogenetic location: 10q25.1.
Variant type: single nucleotide variant.
Coding change: c.2647+1G>T on transcript NM_000494.4 (MANE Select); the canonical splice donor site of the intron after coding-DNA position 2647, G replaced by T.
Molecular consequence: splice donor variant.
Genome position (GRCh38, 1-based): chr10:104,041,302, C>A on the plus strand (G>T on the coding strand, the complement: COL17A1 is on the minus strand). VCF-style: chr10-104041302-C-A. GRCh37 (hg19) VCF-style: chr10-105801060-C-A.
Identifiers: ClinVar variation 2733486 (VCV002733486.3), dbSNP rs2493301375, ClinGen allele CA378068290.

ClinVar aggregate classification (germline): Likely pathogenic (1 of 4 stars; one submission).

Submission:

Labcorp Genetics (formerly Invitae), Labcorp
Classification: Likely pathogenic. Last evaluated: 2023-07-08. Review status: criteria provided, single submitter. Criteria: Invitae Variant Classification Sherloc (09022015). Collection method: clinical testing. Allele origin: germline.
Comment: In summary, the currently available evidence indicates that the variant is pathogenic, but additional data are needed to prove that conclusively. Therefore, this variant has been classified as Likely Pathogenic. Algorithms developed to predict the effect of sequence changes on RNA splicing suggest that this variant may disrupt the consensus splice site. This variant has not been reported in the literature in individuals affected with COL17A1-related conditions. This variant is not present in population databases (gnomAD no frequency). This sequence change affects a donor splice site in intron 38 of the COL17A1 gene. It is expected to disrupt RNA splicing. Variants that disrupt the donor or acceptor splice site typically lead to a loss of protein function (PMID: 16199547), and loss-of-function variants in COL17A1 are known to be pathogenic (PMID: 16473856, 17344927, 20301304, 21357940, 24319098).

Literature cited by the submitters: PubMed 16199547; PubMed 16473856; PubMed 17344927; PubMed 20301304; PubMed 21357940; PubMed 24319098.